The following is an entry in ClinVar:

NM_000548.5(TSC2):c.1444-201G>A

Gene: TSC2 (TSC complex subunit 2; plus strand). Cytogenetic location: 16p13.3.
Variant type: single nucleotide variant.
Coding change: c.1444-201G>A on transcript NM_000548.5 (MANE Select); 201 bases into the intron before coding-DNA position 1444, G replaced by A.
Molecular consequence: intron variant.
Genome position (GRCh38, 1-based): chr16:2,064,071, G>A. VCF-style: chr16-2064071-G-A. GRCh37 (hg19) VCF-style: chr16-2114072-G-A.
Other names: c.1444-201G>A (NM_001114382.3, NM_021055.3, NM_001370405.1 and 3 more transcripts); c.1333-201G>A (NM_001318827.2); c.844-201G>A (NM_001318831.2); c.1297-201G>A (NM_001318829.2); c.1477-201G>A (NM_001318832.2).
Identifiers: ClinVar variation 677255 (VCV000677255.2), dbSNP rs60763712, ClinGen allele CA276778574.
Genomic context (GRCh38, chr16:2,064,071, plus strand): 5'-TGAGTTGTGGGCCCCGTGTCTGTGCCCGGCCGCCCTGCGGTGCTCACCAGCCTTCTGAAC[G>A]AGGAGCTGGACAGGATCCCTGGAAGGGGCCCCGGGGTCTCTGAGTCGCGCTCAGCGGGTG-3'

ClinVar aggregate classification (germline): Benign. Review status: criteria provided, multiple submitters, no conflicts (2 of 4 stars). 2 submissions from 2 submitters: Benign (2). Last evaluated 2018-06-14.

Allele frequency attached by ClinVar (database versions not stated): TOPMed 0.04941; 1000 Genomes Project 0.05052; 1000 Genomes Project 30x 0.05403.
gnomAD v4.1: 10,293 of 767,006 alleles (1.3%); highest among the groups gnomAD compares: African/African-American, 15%; 743 homozygotes.

Submissions (2):

GeneDx
Classification: Benign. Last evaluated: 2018-06-14. Review status: criteria provided, single submitter. Criteria: GeneDx Variant Classification (06012015). Collection method: clinical testing. Allele origin: germline. Affected: yes.
Comment: This variant is considered likely benign or benign based on one or more of the following criteria: it is a conservative change, it occurs at a poorly conserved position in the protein, it is predicted to be benign by multiple in silico algorithms, and/or has population frequency not consistent with disease.

Breakthrough Genomics
Classification: Benign. Review status: criteria provided, single submitter. Criteria: ACMG Guidelines, 2015. Collection method: not provided. Allele origin: germline. Inheritance: Autosomal dominant inheritance. Affected: yes.